The following is an entry in ClinVar:

ClinVar aggregate classification (germline): Uncertain significance (1 of 4 stars; one submission).

Conditions:
Dilated cardiomyopathy 1HH (CMD1HH). Identifiers: Orphanet 154, MedGen C3151293, MONDO:0013479, OMIM 613881.
Myofibrillar myopathy 6. Identifiers: Orphanet 199340, MedGen C2751831, MONDO:0013061, OMIM 612954.

Allele frequency attached by ClinVar (database versions not stated): ExAC 0.00001.

Submission:

Labcorp Genetics (formerly Invitae), Labcorp
Classification: Uncertain significance for Dilated cardiomyopathy 1HH; Myofibrillar myopathy 6. Last evaluated: 2022-02-04. Review status: criteria provided, single submitter. Criteria: Invitae Variant Classification Sherloc (09022015). Collection method: clinical testing. Allele origin: germline.
Comment: This sequence change replaces proline, which is neutral and non-polar, with alanine, which is neutral and non-polar, at codon 545 of the BAG3 protein (p.Pro545Ala). This variant is present in population databases (rs776485015, gnomAD 0.02%). This variant has not been reported in the literature in individuals affected with BAG3-related conditions. Algorithms developed to predict the effect of missense changes on protein structure and function are either unavailable or do not agree on the potential impact of this missense change (SIFT: "Tolerated"; PolyPhen-2: "Not Available"; Align-GVGD: "Class C0"). In summary, the available evidence is currently insufficient to determine the role of this variant in disease. Therefore, it has been classified as a Variant of Uncertain Significance.

NM_004281.4(BAG3):c.1633C>G (p.Pro545Ala)

Gene: BAG3 (BAG cochaperone 3; plus strand). Cytogenetic location: 10q26.11.
Variant type: single nucleotide variant.
Coding change: c.1633C>G on transcript NM_004281.4 (MANE Select); coding-DNA position 1633, C replaced by G.
Protein change: p.Pro545Ala; replaces proline 545 with alanine.
Molecular consequence: missense variant.
Genome position (GRCh38, 1-based): chr10:119,677,187, C>G. VCF-style: chr10-119677187-C-G. GRCh37 (hg19) VCF-style: chr10-121436699-C-G.
Other names: short protein forms P545A.
Identifiers: ClinVar variation 2175999 (VCV002175999.1), dbSNP rs776485015, ClinGen allele CA5716586.